The following is an entry in ClinVar:

NM_030667.3(PTPRO):c.1631C>A (p.Thr544Lys)

Gene: PTPRO (protein tyrosine phosphatase receptor type O; plus strand). Cytogenetic location: 12p12.3.
Variant type: single nucleotide variant.
Coding change: c.1631C>A on transcript NM_030667.3 (MANE Select); coding-DNA position 1631, C replaced by A.
Protein change: p.Thr544Lys; replaces threonine 544 with lysine.
Molecular consequence: missense variant.
Genome position (GRCh38, 1-based): chr12:15,516,808, C>A. VCF-style: chr12-15516808-C-A. GRCh37 (hg19) VCF-style: chr12-15669742-C-A.
Other names: c.1631C>A, p.Thr544Lys (NM_002848.4); short protein forms T544K.
Identifiers: ClinVar variation 1914096 (VCV001914096.5), dbSNP rs137966245, ClinGen allele CA384032591.

ClinVar aggregate classification (germline): Uncertain significance (1 of 4 stars; one submission).

gnomAD v4.1: 2 of 1,612,074 alleles (0.00012%); highest among the groups gnomAD compares: African/African-American, 0.0027%; no homozygotes.

Submission:

Labcorp Genetics (formerly Invitae), Labcorp
Classification: Uncertain significance. Last evaluated: 2022-03-23. Review status: criteria provided, single submitter. Criteria: Invitae Variant Classification Sherloc (09022015). Collection method: clinical testing. Allele origin: germline.
Comment: This sequence change replaces threonine, which is neutral and polar, with lysine, which is basic and polar, at codon 544 of the PTPRO protein (p.Thr544Lys). This variant is not present in population databases (gnomAD no frequency). This variant has not been reported in the literature in individuals affected with PTPRO-related conditions. Algorithms developed to predict the effect of missense changes on protein structure and function (SIFT, PolyPhen-2, Align-GVGD) all suggest that this variant is likely to be disruptive. In summary, the available evidence is currently insufficient to determine the role of this variant in disease. Therefore, it has been classified as a Variant of Uncertain Significance.